The following is an entry in ClinVar:

ClinVar aggregate classification (germline): Uncertain significance. Review status: criteria provided, multiple submitters, no conflicts (2 of 4 stars). 3 submissions from 3 submitters: Uncertain significance (3). Last evaluated 2025-04-18.

Conditions:
Inborn genetic diseases. Identifiers: MedGen C0950123, MeSH D030342.
Fanconi anemia (FA). Also called: Fanconi's anemia. Identifiers: Orphanet 84, MedGen C0015625, MeSH D005199, MONDO:0019391.
Fanconi anemia complementation group G. Also called: Fanconi anemia group G; FANCG-Related Fanconi Anemia. Identifiers: Orphanet 84, MedGen C3469527, MONDO:0013565, OMIM 614082.

Allele frequency attached by ClinVar (database versions not stated): gnomAD exomes below 0.00001; ExAC 0.00002.
gnomAD v4.1: 6 of 1,613,982 alleles (0.00037%); highest among the groups gnomAD compares: Non-Finnish European, 0.00051%; no homozygotes.

Submissions (3):

Ambry Genetics
Classification: Uncertain significance for Inborn genetic diseases. Last evaluated: 2025-04-18. Review status: criteria provided, single submitter. Criteria: Ambry Variant Classification Scheme 2023. Collection method: clinical testing. Allele origin: germline.
Comment: The p.K470E variant (also known as c.1408A>G), located in coding exon 10 of the FANCG gene, results from an A to G substitution at nucleotide position 1408. The lysine at codon 470 is replaced by glutamic acid, an amino acid with similar properties. This amino acid position is conserved. In addition, this alteration is predicted to be tolerated by in silico analysis. Based on the available evidence, the clinical significance of this variant remains unclear.

Fulgent Genetics
Classification: Uncertain significance for Fanconi anemia complementation group G. Last evaluated: 2024-06-01. Review status: criteria provided, single submitter. Criteria: ACMG Guidelines, 2015. Collection method: clinical testing. Allele origin: germline.

Labcorp Genetics (formerly Invitae), Labcorp
Classification: Uncertain significance for Fanconi anemia. Last evaluated: 2021-09-24. Review status: criteria provided, single submitter. Criteria: Invitae Variant Classification Sherloc (09022015). Collection method: clinical testing. Allele origin: germline.
Comment: This sequence change replaces lysine with glutamic acid at codon 470 of the FANCG protein (p.Lys470Glu). The lysine residue is highly conserved and there is a small physicochemical difference between lysine and glutamic acid. This variant is present in population databases (rs769402230, ExAC 0.003%). This variant has not been reported in the literature in individuals with FANCG-related conditions. Algorithms developed to predict the effect of missense changes on protein structure and function (SIFT, PolyPhen-2, Align-GVGD) all suggest that this variant is likely to be disruptive, but these predictions have not been confirmed by published functional studies and their clinical significance is uncertain. In summary, the available evidence is currently insufficient to determine the role of this variant in disease. Therefore, it has been classified as a Variant of Uncertain Significance.

NM_004629.2(FANCG):c.1408A>G (p.Lys470Glu)

Gene: FANCG (FA complementation group G; minus strand). Cytogenetic location: 9p13.3.
Variant type: single nucleotide variant.
Coding change: c.1408A>G on transcript NM_004629.2 (MANE Select); coding-DNA position 1408, A replaced by G.
Protein change: p.Lys470Glu; replaces lysine 470 with glutamic acid.
Molecular consequence: missense variant.
Genome position (GRCh38, 1-based): chr9:35,075,490, T>C on the plus strand (A>G on the coding strand, the complement: FANCG is on the minus strand). VCF-style: chr9-35075490-T-C. GRCh37 (hg19) VCF-style: chr9-35075487-T-C.
Other names: short protein forms K470E.
Identifiers: ClinVar variation 2037241 (VCV002037241.3), dbSNP rs769402230, ClinGen allele CA5039757.